The following is an entry in ClinVar:

ClinVar aggregate classification (germline): Uncertain significance (1 of 4 stars; one submission).

Allele frequency attached by ClinVar (database versions not stated): gnomAD 0.00001; TOPMed 0.00001.
gnomAD v4.1: 2 of 1,578,498 alleles (0.00013%); highest among the groups gnomAD compares: Admixed American, 0.0018%; no homozygotes.

Submission:

Labcorp Genetics (formerly Invitae), Labcorp
Classification: Uncertain significance. Last evaluated: 2023-10-20. Review status: criteria provided, single submitter. Criteria: Invitae Variant Classification Sherloc (09022015). Collection method: clinical testing. Allele origin: germline.
Comment: This sequence change replaces glycine, which is neutral and non-polar, with arginine, which is basic and polar, at codon 296 of the TYMP protein (p.Gly296Arg). This variant is not present in population databases (gnomAD no frequency). This variant has not been reported in the literature in individuals affected with TYMP-related conditions. Advanced modeling of protein sequence and biophysical properties (such as structural, functional, and spatial information, amino acid conservation, physicochemical variation, residue mobility, and thermodynamic stability) has been performed at Invitae for this missense variant, however the output from this modeling did not meet the statistical confidence thresholds required to predict the impact of this variant on TYMP protein function. In summary, the available evidence is currently insufficient to determine the role of this variant in disease. Therefore, it has been classified as a Variant of Uncertain Significance.

NM_001953.5(TYMP):c.886G>C (p.Gly296Arg)

Gene: TYMP (thymidine phosphorylase; minus strand). Cytogenetic location: 22q13.33.
Variant type: single nucleotide variant.
Coding change: c.886G>C on transcript NM_001953.5 (MANE Select); coding-DNA position 886, G replaced by C.
Protein change: p.Gly296Arg; replaces glycine 296 with arginine.
Molecular consequence: missense variant.
Genome position (GRCh38, 1-based): chr22:50,526,618, C>G on the plus strand (G>C on the coding strand, the complement: TYMP is on the minus strand). VCF-style: chr22-50526618-C-G. GRCh37 (hg19) VCF-style: chr22-50965047-C-G.
Other names: c.886G>C, p.Gly296Arg (NM_001113755.3, NM_001113756.3, NM_001257988.1 and 1 more transcripts); short protein forms G296R.
Identifiers: ClinVar variation 2971690 (VCV002971690.3), dbSNP rs1359494027, ClinGen allele CA412198801.